The following is an entry in ClinVar:

NM_003482.4(KMT2D):c.9480G>C (p.Met3160Ile)

Gene: KMT2D (lysine methyltransferase 2D; minus strand). Cytogenetic location: 12q13.12.
Variant type: single nucleotide variant.
Coding change: c.9480G>C on transcript NM_003482.4 (MANE Select); coding-DNA position 9480, G replaced by C.
Protein change: p.Met3160Ile; replaces methionine 3160 with isoleucine.
Molecular consequence: missense variant.
Genome position (GRCh38, 1-based): chr12:49,037,876, C>G on the plus strand (G>C on the coding strand, the complement: KMT2D is on the minus strand). VCF-style: chr12-49037876-C-G. GRCh37 (hg19) VCF-style: chr12-49431659-C-G.
Other names: short protein forms M3160I.
Identifiers: ClinVar variation 1309307 (VCV001309307.6), dbSNP rs532060823, ClinGen allele CA384737689.

ClinVar aggregate classification (germline): Uncertain significance. Review status: criteria provided, multiple submitters, no conflicts (2 of 4 stars). 3 submissions from 3 submitters: Uncertain significance (2). 1 of the submissions does not count toward it. Last evaluated 2025-06-23.

Conditions:
KMT2D-related disorder. Also called: KMT2D-Related Disorders.
Kabuki syndrome. Also called: NIIKAWA-KUROKI SYNDROME; Kabuki make-up syndrome. Identifiers: Orphanet 2322, MedGen C0796004, MONDO:0016512.

gnomAD v4.1: 1 of 1,598,002 alleles (0.000063%); highest among the groups gnomAD compares: Non-Finnish European, 0.000085%; no homozygotes.

Submissions (3):

Labcorp Genetics (formerly Invitae), Labcorp
Classification: Uncertain significance for Kabuki syndrome. Last evaluated: 2025-06-23. Review status: criteria provided, single submitter. Criteria: Invitae Variant Classification Sherloc (09022015). Collection method: clinical testing. Allele origin: germline.
Comment: This sequence change replaces methionine, which is neutral and non-polar, with isoleucine, which is neutral and non-polar, at codon 3160 of the KMT2D protein (p.Met3160Ile). This variant is not present in population databases (gnomAD no frequency). This variant has not been reported in the literature in individuals affected with KMT2D-related conditions. ClinVar contains an entry for this variant (Variation ID: 1309307). Invitae Evidence Modeling of protein sequence and biophysical properties (such as structural, functional, and spatial information, amino acid conservation, physicochemical variation, residue mobility, and thermodynamic stability) indicates that this missense variant is not expected to disrupt KMT2D protein function with a negative predictive value of 95%. In summary, the available evidence is currently insufficient to determine the role of this variant in disease. Therefore, it has been classified as a Variant of Uncertain Significance.

GeneDx
Classification: Uncertain significance. Last evaluated: 2019-10-17. Review status: criteria provided, single submitter. Criteria: GeneDx Variant Classification Process June 2021. Collection method: clinical testing. Allele origin: germline. Affected: yes.
Comment: Not observed in large population cohorts (Lek et al., 2016); In silico analysis, which includes protein predictors and evolutionary conservation, supports that this variant does not alter protein structure/function; Has not been previously published as pathogenic or benign to our knowledge

PreventionGenetics, part of Exact Sciences
Classification: Uncertain significance for KMT2D-related condition. Last evaluated: 2024-07-03. Review status: no assertion criteria provided. Collection method: clinical testing. Allele origin: germline. Not counted in ClinVar's aggregate classification.
Comment: The KMT2D c.9480G>C variant is predicted to result in the amino acid substitution p.Met3160Ile. To our knowledge, this variant has not been reported in the literature or in a large population database, indicating this variant is rare. At this time, the clinical significance of this variant is uncertain due to the absence of conclusive functional and genetic evidence.